The following is an entry in ClinVar:

ClinVar aggregate classification (germline): Likely pathogenic (1 of 4 stars; one submission).

Conditions:
Retinal disorder. Also called: Retinopathy; Retinopathies; Retinal Diseases; Retinal disorders. Identifiers: MedGen C0035309, MONDO:0005283, HP:0000488.

Submission:

Genetics Laboratory, Great Ormond Street Hospital NHS Foundation Trust, North Thames Genomic Laboratory Hub
Classification: Likely pathogenic for Retinal disorders. Last evaluated: 2025-11-18. Review status: criteria provided, single submitter. Criteria: ACGS Best Practice Guidelines for Variant Classification in Rare Disease 2024 v1.2. Collection method: clinical testing. Allele origin: germline. Affected: yes.
Comment: PM2_moderate, PVS1_strong

NM_000362.5(TIMP3):c.489T>A (p.Cys163Ter)

Genes: SYN3 (synapsin III; minus strand), TIMP3 (TIMP metallopeptidase inhibitor 3; plus strand). Cytogenetic location: 22q12.3.
Variant type: single nucleotide variant.
Coding change: c.489T>A on transcript NM_000362.5 (MANE Select); coding-DNA position 489, T replaced by A.
Protein change: p.Cys163Ter; replaces cysteine 163 with a stop codon.
Molecular consequence: nonsense. On other transcripts: intron variant (7).
Genome position (GRCh38, 1-based): chr22:32,859,230, T>A. VCF-style: chr22-32859230-T-A. GRCh37 (hg19) VCF-style: chr22-33255217-T-A.
Other names: c.708+5685A>T (NM_001369909.1, NM_001135774.2, NM_001369910.1); c.711+5685A>T (NM_001369907.1, NM_003490.4, NM_001369908.1 and 1 more transcripts); short protein forms C163*.
Identifiers: ClinVar variation 4685575 (VCV004685575.1).